The following is an entry in ClinVar:

ClinVar aggregate classification (germline): Uncertain significance. Review status: criteria provided, multiple submitters, no conflicts (2 of 4 stars). 2 submissions from 2 submitters: Uncertain significance (2). Last evaluated 2020-10-20.

Conditions:
Hereditary ataxia. Also called: Hereditary Ataxias. Identifiers: Orphanet 183518, MedGen C0004138, MONDO:0100309, MONDO:0000557.
Spinocerebellar ataxia type 19/22 (SCA19). Also called: SPINOCEREBELLAR ATAXIA 22; SPINOCEREBELLAR ATAXIA 19. Identifiers: Orphanet 98772, MedGen C1846367, MONDO:0011819, OMIM 607346.

Submissions (2):

Labcorp Genetics (formerly Invitae), Labcorp
Classification: Uncertain significance for Spinocerebellar ataxia type 19/22. Last evaluated: 2020-10-20. Review status: criteria provided, single submitter. Criteria: Invitae Variant Classification Sherloc (09022015). Collection method: clinical testing. Allele origin: germline.
Comment: This variant has not been reported in the literature in individuals with KCND3-related conditions. This variant is not present in population databases (ExAC no frequency). This sequence change replaces serine with tryptophan at codon 357 of the KCND3 protein (p.Ser357Trp). The serine residue is highly conserved and there is a large physicochemical difference between serine and tryptophan. In summary, the available evidence is currently insufficient to determine the role of this variant in disease. Therefore, it has been classified as a Variant of Uncertain Significance. Algorithms developed to predict the effect of missense changes on protein structure and function (SIFT, PolyPhen-2, Align-GVGD) all suggest that this variant is likely to be disruptive, but these predictions have not been confirmed by published functional studies and their clinical significance is uncertain.

Cambridge Genomics Laboratory, East Genomic Laboratory Hub, NHS Genomic Medicine Service
Classification: Uncertain significance for Hereditary ataxia. Last evaluated: 2019-05-21. Review status: criteria provided, single submitter. Criteria: ACGS Best Practice Guidelines for Variant Classification in Rare Disease 2020. Collection method: clinical testing. Allele origin: germline. Affected: yes. Observed: 1 variant allele.

NM_001378969.1(KCND3):c.1070C>G (p.Ser357Trp)

Gene: KCND3 (potassium voltage-gated channel subfamily D member 3; minus strand). Cytogenetic location: 1p13.2.
Variant type: single nucleotide variant.
Coding change: c.1070C>G on transcript NM_001378969.1 (MANE Select); coding-DNA position 1070, C replaced by G.
Protein change: p.Ser357Trp; replaces serine 357 with tryptophan.
Molecular consequence: missense variant.
Genome position (GRCh38, 1-based): chr1:111,981,657, G>C on the plus strand (C>G on the coding strand, the complement: KCND3 is on the minus strand). VCF-style: chr1-111981657-G-C. GRCh37 (hg19) VCF-style: chr1-112524279-G-C.
Other names: c.1070C>G, p.Ser357Trp (NM_001378970.1, NM_004980.5, NM_172198.3); short protein forms S357W.
Identifiers: ClinVar variation 1004161 (VCV001004161.9), dbSNP rs867628133, ClinGen allele CA341820455.
Genomic context (GRCh38, chr1:111,981,657, plus strand): 5'-TTTCATCCACCAGCGCTGACTTACCCCAGTGTGGTCATGGTGACAATGGTGTACCAAAAC[G>C]AGGCAGGGATGCTTGTGAACTTGCTGGCCGAGGAGCCCTTCTCGGCATAAAACATCACAG-3'
Protein context (NP_001365898.1, residues 347-367): SASKFTSIPA[Ser357Trp]FWYTIVTMTT